The following is an entry in ClinVar:

NM_003331.5(TYK2):c.1189C>T (p.Arg397Trp)

Gene: TYK2 (tyrosine kinase 2; minus strand). Cytogenetic location: 19p13.2.
Variant type: single nucleotide variant.
Coding change: c.1189C>T on transcript NM_003331.5 (MANE Select); coding-DNA position 1189, C replaced by T.
Protein change: p.Arg397Trp; replaces arginine 397 with tryptophan.
Molecular consequence: missense variant. On other transcripts: intron variant (1).
Genome position (GRCh38, 1-based): chr19:10,364,871, G>A on the plus strand (C>T on the coding strand, the complement: TYK2 is on the minus strand). VCF-style: chr19-10364871-G-A. GRCh37 (hg19) VCF-style: chr19-10475547-G-A.
Other names: c.1189C>T, p.Arg397Trp (NM_001385197.1, NM_001385198.1, NM_001385199.1 and 7 more transcripts); c.1099C>T, p.Arg367Trp (NM_001385205.1); c.1012-100C>T (NM_001385201.1); short protein forms R397W, R367W.
Identifiers: ClinVar variation 2152485 (VCV002152485.3), dbSNP rs767606287, ClinGen allele CA9193508.
Genomic context (GRCh38, chr19:10,364,871, plus strand): 5'-CCATGATGGGCCCTAGCCCAGCCCCTACCCTGGGCCTCACCAGGCACTTGTTGTCCTGCC[G>A]GTGGATGCTGACACAGTGCTCTTTCAGCACCACGTGGGTGATGTCCCGGAAGTCACAGAA-3'
Protein context (NP_003322.3, residues 387-407): VLKEHCVSIH[Arg397Trp]QDNKCLELSL

ClinVar aggregate classification (germline): Uncertain significance (1 of 4 stars; one submission).

Conditions:
Immunodeficiency 35 (IMD35). Also called: Susceptibility to infection due to TYK2 deficiency; TYK2 DEFICIENCY; HIES WITH ATYPICAL MYCOBACTERIOSIS, AUTOSOMAL RECESSIVE; HYPER-IgE SYNDROME WITH ATYPICAL MYCOBACTERIOSIS, AUTOSOMAL RECESSIVE. Identifiers: Orphanet 331226, MedGen C1969086, MONDO:0012682, OMIM 611521.

Allele frequency attached by ClinVar (database versions not stated): gnomAD 0.00001; gnomAD exomes 0.00001; TOPMed 0.00001; ExAC 0.00002.
gnomAD v4.1: 20 of 1,614,008 alleles (0.0012%); highest among the groups gnomAD compares: Admixed American, 0.0033%; no homozygotes.

Submission:

Labcorp Genetics (formerly Invitae), Labcorp
Classification: Uncertain significance for Immunodeficiency 35. Last evaluated: 2024-10-23. Review status: criteria provided, single submitter. Criteria: Invitae Variant Classification Sherloc (09022015). Collection method: clinical testing. Allele origin: germline.
Comment: This sequence change replaces arginine, which is basic and polar, with tryptophan, which is neutral and slightly polar, at codon 397 of the TYK2 protein (p.Arg397Trp). This variant is present in population databases (rs767606287, gnomAD 0.003%). This variant has not been reported in the literature in individuals affected with TYK2-related conditions. ClinVar contains an entry for this variant (Variation ID: 2152485). Invitae Evidence Modeling of protein sequence and biophysical properties (such as structural, functional, and spatial information, amino acid conservation, physicochemical variation, residue mobility, and thermodynamic stability) indicates that this missense variant is expected to disrupt TYK2 protein function with a positive predictive value of 80%. In summary, the available evidence is currently insufficient to determine the role of this variant in disease. Therefore, it has been classified as a Variant of Uncertain Significance.